The following is an entry in ClinVar:

NM_001378030.1(CCDC78):c.758A>G (p.Gln253Arg)

Gene: CCDC78 (coiled-coil domain containing 78; minus strand). Cytogenetic location: 16p13.3.
Variant type: single nucleotide variant.
Coding change: c.758A>G on transcript NM_001378030.1 (MANE Select); coding-DNA position 758, A replaced by G.
Protein change: p.Gln253Arg; replaces glutamine 253 with arginine.
Molecular consequence: missense variant. On other transcripts: non-coding transcript variant (5), intron variant (1).
Genome position (GRCh38, 1-based): chr16:724,688, T>C on the plus strand (A>G on the coding strand, the complement: CCDC78 is on the minus strand). VCF-style: chr16-724688-T-C. GRCh37 (hg19) VCF-style: chr16-774688-T-C.
Other names: c.758A>G, p.Gln253Arg (NM_001031737.3, NM_001378031.1); c.199-179A>G (NM_001378033.1); c.758A>G (NM_001031737.2); short protein forms Q253R.
Identifiers: ClinVar variation 1044061 (VCV001044061.9), dbSNP rs1438721597, ClinGen allele CA394101003.
Genomic context (GRCh38, chr16:724,688, plus strand): 5'-ACCCAGGCCAGGCTTGGGCTCCCTAGGCCTCAGGGTGCTCCTGCAGGGCTCACCACTGCC[T>C]GCCAGGCGCAGTGTTGCAGCCGTAGGACGTACTCATCCTTCAGTTTCTTGAGCTGCAGCT-3'
Protein context (NP_001364959.1, residues 243-263): YVLRLQHCAW[Gln253Arg]AVEHADGAGQ

ClinVar aggregate classification (germline): Uncertain significance. Review status: criteria provided, multiple submitters, no conflicts (2 of 4 stars). 2 submissions from 2 submitters: Uncertain significance (2). Last evaluated 2025-12-16.

Conditions:
Congenital myopathy with internal nuclei and atypical cores. Also called: Myopathy, centronuclear, 4. Identifiers: Orphanet 319160, MedGen C4707232, MONDO:0013890, OMIM 614807.
Inborn genetic diseases. Identifiers: MedGen C0950123, MeSH D030342.

Submissions (2):

Ambry Genetics
Classification: Uncertain significance for Inborn genetic diseases. Last evaluated: 2025-12-16. Review status: criteria provided, single submitter. Criteria: Ambry Variant Classification Scheme 2023. Collection method: clinical testing. Allele origin: germline.

Labcorp Genetics (formerly Invitae), Labcorp
Classification: Uncertain significance for Congenital myopathy with internal nuclei and atypical cores. Last evaluated: 2020-10-26. Review status: criteria provided, single submitter. Criteria: Invitae Variant Classification Sherloc (09022015). Collection method: clinical testing. Allele origin: germline.
Comment: This sequence change replaces glutamine with arginine at codon 253 of the CCDC78 protein (p.Gln253Arg). The glutamine residue is weakly conserved and there is a small physicochemical difference between glutamine and arginine. This variant is not present in population databases (ExAC no frequency). This variant has not been reported in the literature in individuals with CCDC78-related conditions. Algorithms developed to predict the effect of missense changes on protein structure and function are either unavailable or do not agree on the potential impact of this missense change (SIFT: "Deleterious"; PolyPhen-2: "Benign"; Align-GVGD: "Class C0"). In summary, the available evidence is currently insufficient to determine the role of this variant in disease. Therefore, it has been classified as a Variant of Uncertain Significance.